The following is an entry in ClinVar:

ClinVar aggregate classification (germline): Likely benign (1 of 4 stars; one submission).

Conditions:
Familial thoracic aortic aneurysm and aortic dissection (TAAD). Also called: Thoracic aortic aneurysms and dissections. Identifiers: Orphanet 91387, MedGen C4707243, MONDO:0019625.

Submission:

All of Us Research Program, National Institutes of Health
Classification: Likely benign for Familial thoracic aortic aneurysm and aortic dissection. Last evaluated: 2023-12-01. Review status: criteria provided, single submitter. Criteria: ACMG Guidelines, 2015. Collection method: clinical testing. Allele origin: germline. Inheritance: Autosomal dominant inheritance. Observed: 2 variant alleles, 2 heterozygotes.
Comment: This study involves interpretation of variants in research participants for the purpose of population health screening. Participant phenotype was not available at the time of variant classification. Additional details can be found in publication PMID: 35346344, PMCID: PMC8962531

NM_002474.3(MYH11):c.1293C>G (p.Arg431=)

Gene: MYH11 (myosin heavy chain 11; minus strand). Cytogenetic location: 16p13.11.
Variant type: single nucleotide variant.
Coding change: c.1293C>G on transcript NM_002474.3 (MANE Select); coding-DNA position 1293, C replaced by G.
Protein change: p.Arg431=; no amino-acid change (arginine 431 retained).
Molecular consequence: synonymous variant.
Genome position (GRCh38, 1-based): chr16:15,759,684, G>C on the plus strand (C>G on the coding strand, the complement: MYH11 is on the minus strand). VCF-style: chr16-15759684-G-C. GRCh37 (hg19) VCF-style: chr16-15853541-G-C.
Other names: c.1314C>G, p.Arg438= (NM_001040113.2, NM_001040114.2); c.1293C>G, p.Arg431= (NM_022844.3).
Identifiers: ClinVar variation 3071048 (VCV003071048.1), dbSNP rs755544024, ClinGen allele CA493793753.